The following is an entry in ClinVar:

ClinVar aggregate classification (germline): Likely benign (1 of 4 stars; one submission).

Allele frequency attached by ClinVar (database versions not stated): gnomAD 0.00016 and 0.00019; TOPMed 0.00018; 1000 Genomes Project 0.00020; 1000 Genomes Project 30x 0.00031.
gnomAD v4.1: 32 of 878,198 alleles (0.0036%); highest among the groups gnomAD compares: African/African-American, 0.048%; no homozygotes.

Submission:

GeneDx
Classification: Likely benign. Last evaluated: 2017-10-06. Review status: criteria provided, single submitter. Criteria: GeneDx Variant Classification (06012015). Collection method: clinical testing. Allele origin: germline. Affected: yes.
Comment: This variant is considered likely benign or benign based on one or more of the following criteria: it is a conservative change, it occurs at a poorly conserved position in the protein, it is predicted to be benign by multiple in silico algorithms, and/or has population frequency not consistent with disease.

NM_004655.4(AXIN2):c.-116-20C>T

Gene: AXIN2 (axin 2; minus strand). Cytogenetic location: 17q24.1.
Variant type: single nucleotide variant.
Coding change: c.-116-20C>T on transcript NM_004655.4 (MANE Select); 20 bases into the intron before 116 bases upstream of the start codon, C replaced by T.
Molecular consequence: intron variant.
Genome position (GRCh38, 1-based): chr17:65,558,756, G>A on the plus strand (C>T on the coding strand, the complement: AXIN2 is on the minus strand). VCF-style: chr17-65558756-G-A. GRCh37 (hg19) VCF-style: chr17-63554874-G-A.
Other names: c.-116-20C>T (LRG_296t1, NM_001363813.1).
Identifiers: ClinVar variation 386779 (VCV000386779.1), dbSNP rs544385957, ClinGen allele CA16607811.